The following is an entry in ClinVar:

NM_006767.4(LZTR1):c.2431T>G (p.Ser811Ala)

Gene: LZTR1 (leucine zipper like post translational regulator 1; plus strand). Cytogenetic location: 22q11.21.
Variant type: single nucleotide variant.
Coding change: c.2431T>G on transcript NM_006767.4 (MANE Select); coding-DNA position 2431, T replaced by G.
Protein change: p.Ser811Ala; replaces serine 811 with alanine.
Molecular consequence: missense variant.
Genome position (GRCh38, 1-based): chr22:20,997,256, T>G. VCF-style: chr22-20997256-T-G. GRCh37 (hg19) VCF-style: chr22-21351545-T-G.
Other names: short protein forms S811A.
Identifiers: ClinVar variation 4101875 (VCV004101875.1).

ClinVar aggregate classification (germline): Uncertain significance (1 of 4 stars; one submission).

Conditions:
Cardiovascular phenotype. Identifiers: MedGen CN230736.
Hereditary cancer-predisposing syndrome. Also called: Tumor predisposition; Neoplastic Syndromes, Hereditary; Hereditary neoplastic syndrome; Hereditary Cancer Syndrome. Identifiers: Orphanet 140162, MedGen C0027672, MeSH D009386, MONDO:0015356.

gnomAD v4.1: 1 of 1,613,836 alleles (0.000062%); highest among the groups gnomAD compares: South Asian, 0.0011%; no homozygotes.

Submission:

Ambry Genetics
Classification: Uncertain significance for Cardiovascular phenotype; Hereditary cancer-predisposing syndrome. Last evaluated: 2025-06-28. Review status: criteria provided, single submitter. Criteria: Ambry Variant Classification Scheme 2023. Collection method: clinical testing. Allele origin: germline.
Comment: The p.S811A variant (also known as c.2431T>G), located in coding exon 21 of the LZTR1 gene, results from a T to G substitution at nucleotide position 2431. The serine at codon 811 is replaced by alanine, an amino acid with similar properties. This amino acid position is conserved. In addition, this alteration is predicted to be tolerated by in silico analysis. Based on the available evidence, the clinical significance of this variant remains unclear.